The following is an entry in ClinVar:

ClinVar aggregate classification (germline): Likely benign. Review status: criteria provided, multiple submitters, no conflicts (2 of 4 stars). 2 submissions from 2 submitters: Likely benign (2). Last evaluated 2025-12-22.

Conditions:
Catecholaminergic polymorphic ventricular tachycardia 1. Also called: VENTRICULAR TACHYCARDIA, CATECHOLAMINERGIC POLYMORPHIC, 1, WITH OR WITHOUT ATRIAL DYSFUNCTION AND/OR DILATED CARDIOMYOPATHY; VENTRICULAR TACHYCARDIA, STRESS-INDUCED POLYMORPHIC 1; RYR2-Related Catecholaminergic Polymorphic Ventricular Tachycardia. Identifiers: Orphanet 3286, MedGen C1631597, MONDO:0011484, OMIM 604772.

Allele frequency attached by ClinVar (database versions not stated): ExAC 0.00001; gnomAD exomes 0.00001; TOPMed 0.00002; gnomAD 0.00003 and 0.00004.
gnomAD v4.1: 15 of 1,590,460 alleles (0.00094%); highest among the groups gnomAD compares: Middle Eastern, 0.017%; no homozygotes.

Submissions (2):

Labcorp Genetics (formerly Invitae), Labcorp
Classification: Likely benign for Catecholaminergic polymorphic ventricular tachycardia 1. Last evaluated: 2025-12-22. Review status: criteria provided, single submitter. Criteria: Invitae Variant Classification Sherloc (09022015). Collection method: clinical testing. Allele origin: germline.

Women's Health and Genetics/Laboratory Corporation of America, LabCorp
Classification: Likely benign. Last evaluated: 2025-01-09. Review status: criteria provided, single submitter. Criteria: LabCorp Variant Classification Summary - May 2015. Collection method: clinical testing. Allele origin: germline.
Comment: Variant summary: RYR2 c.2718+19T>C alters a non-conserved nucleotide located at a position not widely known to affect splicing. Consensus agreement among computation tools predict no significant impact on normal splicing. However, these predictions have yet to be confirmed by functional studies. The variant allele was found at a frequency of 8.2e-06 in 243796 control chromosomes. The available data on variant occurrences in the general population are insufficient to allow any conclusion about variant significance. To our knowledge, no occurrence of c.2718+19T>C in individuals affected with Arrhythmia and no experimental evidence demonstrating its impact on protein function have been reported. ClinVar contains an entry for this variant (Variation ID: 929113). Based on the evidence outlined above, the variant was classified as likely benign.

NM_001035.3(RYR2):c.2718+19T>C

Gene: RYR2 (ryanodine receptor 2; plus strand). Cytogenetic location: 1q43.
Variant type: single nucleotide variant.
Coding change: c.2718+19T>C on transcript NM_001035.3 (MANE Select); 19 bases into the intron after coding-DNA position 2718, T replaced by C.
Molecular consequence: intron variant.
Genome position (GRCh38, 1-based): chr1:237,506,833, T>C. VCF-style: chr1-237506833-T-C. GRCh37 (hg19) VCF-style: chr1-237670133-T-C.
Identifiers: ClinVar variation 929113 (VCV000929113.12), dbSNP rs773320230, ClinGen allele CA086114.